The following is an entry in ClinVar:

ClinVar aggregate classification (germline): Benign/Likely benign. Review status: criteria provided, multiple submitters, no conflicts (2 of 4 stars). 3 submissions from 3 submitters: Benign (1); Likely benign (2). Last evaluated 2025-05-05.

Conditions:
Hereditary cancer-predisposing syndrome. Also called: Neoplastic Syndromes, Hereditary; Tumor predisposition; Hereditary Cancer Syndrome; Hereditary neoplastic syndrome. Identifiers: Orphanet 140162, MedGen C0027672, MeSH D009386, MONDO:0015356.
Oligodontia-cancer predisposition syndrome. Also called: TOOTH AGENESIS-COLORECTAL CANCER SYNDROME. Identifiers: Orphanet 300576, MedGen C1837750, MONDO:0012075, OMIM 608615. Disease mechanism: loss of function.

gnomAD v4.1: 1 of 1,563,834 alleles (0.000064%); no homozygotes.

Submissions (3):

Labcorp Genetics (formerly Invitae), Labcorp
Classification: Likely benign for Oligodontia-cancer predisposition syndrome. Last evaluated: 2025-05-05. Review status: criteria provided, single submitter. Criteria: Invitae Variant Classification Sherloc (09022015). Collection method: clinical testing. Allele origin: germline.

Myriad Genetics, Inc.
Classification: Benign for Oligodontia-cancer predisposition syndrome. Last evaluated: 2024-07-03. Review status: criteria provided, single submitter. Criteria: Myriad Autosomal Dominant, Autosomal Recessive and X-Linked Classification Criteria (2023). Collection method: clinical testing. Allele origin: unknown.
Comment: This variant is considered benign. This variant is a silent/synonymous amino acid change and it is not expected to impact splicing.

Ambry Genetics
Classification: Likely benign for Hereditary cancer-predisposing syndrome. Last evaluated: 2021-11-02. Review status: criteria provided, single submitter. Criteria: Ambry Variant Classification Scheme 2023. Collection method: clinical testing. Allele origin: germline.

NM_004655.4(AXIN2):c.1374C>G (p.Gly458=)

Gene: AXIN2 (axin 2; minus strand). Cytogenetic location: 17q24.1.
Variant type: single nucleotide variant.
Coding change: c.1374C>G on transcript NM_004655.4 (MANE Select); coding-DNA position 1374, C replaced by G.
Protein change: p.Gly458=; no amino-acid change (glycine 458 retained).
Molecular consequence: synonymous variant.
Genome position (GRCh38, 1-based): chr17:65,537,662, G>C on the plus strand (C>G on the coding strand, the complement: AXIN2 is on the minus strand). VCF-style: chr17-65537662-G-C. GRCh37 (hg19) VCF-style: chr17-63533780-G-C.
Other names: c.1374C>G (LRG_296t1); c.1374C>G, p.Gly458= (NM_001363813.1).
Identifiers: ClinVar variation 464541 (VCV000464541.12), dbSNP rs1555577948, ClinGen allele CA501691207.
Genomic context (GRCh38, chr17:65,537,662, plus strand): 5'-GTGGTACTGCGAATGGTGGTGGTGGTGGTGGTCCGGGGAGCGGGAGCGGGGGCTATAGCG[G>C]CCTACGCCTGGAGACTGGCAGCCAGGGGTCTTGAGGACCCTGGACAGGTGATCGTCCAGT-3'
Protein context (NP_004646.3, residues 448-468): KTPGCQSPGV[Gly458=]RYSPRSRSPD